The following is an entry in ClinVar:

NM_001002294.3(FMO3):c.557G>A (p.Arg186His)

Genes: FMO3 (flavin containing dimethylaniline monoxygenase 3; plus strand), LOC126805916 (BRD4-independent group 4 enhancer GRCh37_chr1:171076844-171078043; plus strand). Cytogenetic location: 1q24.3.
Variant type: single nucleotide variant.
Coding change: c.557G>A on transcript NM_001002294.3 (MANE Select); coding-DNA position 557, G replaced by A.
Protein change: p.Arg186His; replaces arginine 186 with histidine.
Molecular consequence: missense variant.
Genome position (GRCh38, 1-based): chr1:171,108,151, G>A. VCF-style: chr1-171108151-G-A. GRCh37 (hg19) VCF-style: chr1-171077292-G-A.
Other names: c.497G>A, p.Arg166His (NM_001319173.2); c.368G>A, p.Arg123His (NM_001319174.2); c.557G>A, p.Arg186His (NM_006894.6); short protein forms R123H, R166H, R186H.
Identifiers: ClinVar variation 3339302 (VCV003339302.2).

ClinVar aggregate classification (germline): Conflicting classifications of pathogenicity. Review status: criteria provided, conflicting classifications (1 of 4 stars). 2 submissions from 2 submitters: Uncertain significance (1); Likely benign (1). Last evaluated 2026-01-27.

gnomAD v4.1: 95 of 1,613,896 alleles (0.0059%); highest among the groups gnomAD compares: African/African-American, 0.093%; no homozygotes.

Submissions (2):

Labcorp Genetics (formerly Invitae), Labcorp
Classification: Likely benign. Last evaluated: 2026-01-27. Review status: criteria provided, single submitter. Criteria: Invitae Variant Classification Sherloc (09022015). Collection method: clinical testing. Allele origin: germline.

Women's Health and Genetics/Laboratory Corporation of America, LabCorp
Classification: Uncertain significance. Last evaluated: 2024-07-31. Review status: criteria provided, single submitter. Criteria: LabCorp Variant Classification Summary - May 2015. Collection method: clinical testing. Allele origin: germline.
Comment: Variant summary: FMO3 c.557G>A (p.Arg186His) results in a non-conservative amino acid change in the encoded protein sequence. Three of five in-silico tools predict a damaging effect of the variant on protein function. The variant allele was found at a frequency of 8e-05 in 251242 control chromosomes, predominantly at a frequency of 0.001 within the African or African-American subpopulation in the gnomAD database. This frequency is not higher than the estimated maximum expected for a pathogenic variant in FMO3 causing Trimethylaminuria (0.0056), allowing no conclusion about variant significance. TO our knowledge, c.557G>A has not been reported in the literature in individuals affected with Trimethylaminuria. However, a publication reported experimental evidence evaluating an impact on protein function, and demonstrated that the variant protein had similar trimethylamine N-oxygenation activity to the WT, while it resulted in a somewhat decreased benzydamine oxygenation activity (Shimizu_2019). The following publication have been ascertained in the context of this evaluation (PMID: 31401033). No submitters have cited clinical-significance assessments for this variant to ClinVar. Based on the evidence outlined above, the variant was classified as uncertain significance.

Literature cited by the submitters: PubMed 31401033 (cited by Women's Health and Genetics/Laboratory Corporation of America, LabCorp).